The following is an entry in ClinVar:

ClinVar aggregate classification (germline): Uncertain significance (1 of 4 stars; one submission).

Conditions:
Parathyroid carcinoma (PRTC). Also called: CDC73-Related Parathyroid Carcinoma; Parathyroid gland carcinoma. Identifiers: Orphanet 143, MedGen C0687150, MONDO:0012004, OMIM 608266, HP:0006780.

Submission:

Labcorp Genetics (formerly Invitae), Labcorp
Classification: Uncertain significance for Parathyroid carcinoma. Last evaluated: 2024-01-03. Review status: criteria provided, single submitter. Criteria: Invitae Variant Classification Sherloc (09022015). Collection method: clinical testing. Allele origin: germline.
Comment: This sequence change replaces valine, which is neutral and non-polar, with glycine, which is neutral and non-polar, at codon 443 of the CDC73 protein (p.Val443Gly). This variant is not present in population databases (gnomAD no frequency). This variant has not been reported in the literature in individuals affected with CDC73-related conditions. Advanced modeling of protein sequence and biophysical properties (such as structural, functional, and spatial information, amino acid conservation, physicochemical variation, residue mobility, and thermodynamic stability) performed at Invitae indicates that this missense variant is expected to disrupt CDC73 protein function with a positive predictive value of 80%. In summary, the available evidence is currently insufficient to determine the role of this variant in disease. Therefore, it has been classified as a Variant of Uncertain Significance.

NM_024529.5(CDC73):c.1328T>G (p.Val443Gly)

Gene: CDC73 (cell division cycle 73; plus strand). Cytogenetic location: 1q31.2.
Variant type: single nucleotide variant.
Coding change: c.1328T>G on transcript NM_024529.5 (MANE Select); coding-DNA position 1328, T replaced by G.
Protein change: p.Val443Gly; replaces valine 443 with glycine.
Molecular consequence: missense variant.
Genome position (GRCh38, 1-based): chr1:193,236,267, T>G. VCF-style: chr1-193236267-T-G. GRCh37 (hg19) VCF-style: chr1-193205397-T-G.
Other names: short protein forms V443G.
Identifiers: ClinVar variation 2707209 (VCV002707209.3), dbSNP rs2527500691, ClinGen allele CA344078115.
Genomic context (GRCh38, chr1:193,236,267, plus strand): 5'-TAATCTCCGTCTGTCCCCTACCTCCCCCCACCCACTTTTCTACTTGTAGGGACCGCGTTG[T>G]AGCCGTTTTTGTGCAGGGTCCTGCATGGCAGTTCAAAGGTTGGCCATGGCTTTTGCCTGA-3'
Protein context (NP_078805.3, residues 433-453): KLMPQDWDRV[Val443Gly]AVFVQGPAWQ